The following is an entry in ClinVar:

ClinVar aggregate classification (germline): Uncertain significance (1 of 4 stars; one submission).

Conditions:
EIF3G-related condition.

gnomAD v4.1: 9 of 1,613,690 alleles (0.00056%); highest among the groups gnomAD compares: Admixed American, 0.0033%; no homozygotes.

Submission:

PreventionGenetics, part of Exact Sciences
Classification: Uncertain significance for EIF3G-related condition. Last evaluated: 2026-09-16. Review status: criteria provided, single submitter. Criteria: ACMG Guidelines, 2015. Collection method: clinical testing. Allele origin: germline.
Comment: The EIF3G c.605C>T variant is predicted to result in the amino acid substitution p.Pro202Leu. To our knowledge, this variant has not been reported in the literature. This variant is reported in 0.0028% of alleles in individuals of Latino descent in gnomAD. At this time, the clinical significance of this variant is uncertain due to the absence of conclusive functional and genetic evidence.

NM_003755.5(EIF3G):c.605C>T (p.Pro202Leu)

Gene: EIF3G (eukaryotic translation initiation factor 3 subunit G; minus strand). Cytogenetic location: 19p13.2.
Variant type: single nucleotide variant.
Coding change: c.605C>T on transcript NM_003755.5 (MANE Select); coding-DNA position 605, C replaced by T.
Protein change: p.Pro202Leu; replaces proline 202 with leucine.
Molecular consequence: missense variant.
Genome position (GRCh38, 1-based): chr19:10,116,065, G>A on the plus strand (C>T on the coding strand, the complement: EIF3G is on the minus strand). VCF-style: chr19-10116065-G-A. GRCh37 (hg19) VCF-style: chr19-10226741-G-A.
Other names: short protein forms P202L.
Identifiers: ClinVar variation 4977761 (VCV004977761.1).